The following is an entry in ClinVar:

NM_000083.3(CLCN1):c.411C>A (p.Tyr137Ter)

Gene: CLCN1 (chloride voltage-gated channel 1; plus strand). Cytogenetic location: 7q34.
Variant type: single nucleotide variant.
Coding change: c.411C>A on transcript NM_000083.3 (MANE Select); coding-DNA position 411, C replaced by A.
Protein change: p.Tyr137Ter; replaces tyrosine 137 with a stop codon.
Molecular consequence: nonsense. On other transcripts: non-coding transcript variant (1).
Genome position (GRCh38, 1-based): chr7:143,320,773, C>A. VCF-style: chr7-143320773-C-A. GRCh37 (hg19) VCF-style: chr7-143017866-C-A.
Other names: short protein forms Y137*.
Identifiers: ClinVar variation 2927072 (VCV002927072.3), dbSNP rs773806167, ClinGen allele CA369682736.

ClinVar aggregate classification (germline): Pathogenic (1 of 4 stars; one submission).

Conditions:
Congenital myotonia, autosomal dominant form (THD). Also called: THOMSEN DISEASE; Myotonia congenita autosomal dominant. Identifiers: Orphanet 614, MedGen C2936781, MONDO:0008055, OMIM 160800.
Congenital myotonia, autosomal recessive form. Also called: BECKER DISEASE; Becker Generalized Myotonia; myotonia congenita, autosomal recessive. Identifiers: Orphanet 614, MedGen C0751360, MONDO:0009715, OMIM 255700.

gnomAD v4.1: 1 of 1,613,718 alleles (0.000062%); highest among the groups gnomAD compares: Admixed American, 0.0017%; no homozygotes.

Submission:

Labcorp Genetics (formerly Invitae), Labcorp
Classification: Pathogenic for Congenital myotonia, autosomal recessive form; Congenital myotonia, autosomal dominant form. Last evaluated: 2023-10-03. Review status: criteria provided, single submitter. Criteria: Invitae Variant Classification Sherloc (09022015). Collection method: clinical testing. Allele origin: germline.
Comment: This sequence change creates a premature translational stop signal (p.Tyr137*) in the CLCN1 gene. It is expected to result in an absent or disrupted protein product. Loss-of-function variants in CLCN1 are known to be pathogenic (PMID: 17932099, 22094069, 23739125). This variant is present in population databases (no rsID available, gnomAD 0.003%). This premature translational stop signal has been observed in individual(s) with autosomal recessive myotonia congenita (PMID: 18337730). For these reasons, this variant has been classified as Pathogenic.

Literature cited by the submitters: PubMed 17932099; PubMed 22094069; PubMed 23739125; PubMed 18337730.